The following is an entry in ClinVar:

ClinVar aggregate classification (germline): Uncertain significance (1 of 4 stars; one submission).

Conditions:
Multiple acyl-CoA dehydrogenase deficiency (MADD). Also called: Glutaric acidemia type II; GA 2; Glutaric aciduria, type 2; ETHYLMALONIC-ADIPICACIDURIA; GA II; Glutaric Acidemia type 2. Identifiers: Orphanet 26791, MedGen C0268596, MONDO:0009282, OMIM 231680.

gnomAD v4.1: 5 of 1,605,376 alleles (0.00031%); highest among the groups gnomAD compares: South Asian, 0.0055%; no homozygotes.

Submission:

Labcorp Genetics (formerly Invitae), Labcorp
Classification: Uncertain significance for Multiple acyl-CoA dehydrogenase deficiency. Last evaluated: 2020-12-04. Review status: criteria provided, single submitter. Criteria: Invitae Variant Classification Sherloc (09022015). Collection method: clinical testing. Allele origin: germline.
Comment: This variant is present in population databases (rs201049444, ExAC 0.01%). This sequence change replaces isoleucine with methionine at codon 214 of the ETFDH protein (p.Ile214Met). The isoleucine residue is highly conserved and there is a small physicochemical difference between isoleucine and methionine. This variant has not been reported in the literature in individuals with ETFDH-related conditions. Algorithms developed to predict the effect of missense changes on protein structure and function are either unavailable or do not agree on the potential impact of this missense change (SIFT: "Deleterious"; PolyPhen-2: "Possibly Damaging"; Align-GVGD: "Class C0"). In summary, the available evidence is currently insufficient to determine the role of this variant in disease. Therefore, it has been classified as a Variant of Uncertain Significance.

NM_004453.4(ETFDH):c.642T>G (p.Ile214Met)

Gene: ETFDH (electron transfer flavoprotein dehydrogenase; plus strand). Cytogenetic location: 4q32.1.
Variant type: single nucleotide variant.
Coding change: c.642T>G on transcript NM_004453.4 (MANE Select); coding-DNA position 642, T replaced by G.
Protein change: p.Ile214Met; replaces isoleucine 214 with methionine.
Molecular consequence: missense variant.
Genome position (GRCh38, 1-based): chr4:158,690,383, T>G. VCF-style: chr4-158690383-T-G. GRCh37 (hg19) VCF-style: chr4-159611535-T-G.
Other names: c.501T>G, p.Ile167Met (NM_001281737.2); c.459T>G, p.Ile153Met (NM_001281738.1); short protein forms I153M, I167M, I214M.
Identifiers: ClinVar variation 1491242 (VCV001491242.8), dbSNP rs201049444, ClinGen allele CA3122420.